The following is an entry in ClinVar:

ClinVar aggregate classification (germline): Likely pathogenic (1 of 4 stars; one submission).

Conditions:
Spermatogenic failure 31. Identifiers: MedGen C4748234, MONDO:0020852, OMIM 618112.

Submission:

MVZ Medizinische Genetik Mainz
Classification: Likely pathogenic for Spermatogenic failure 31. Last evaluated: 2026-03-02. Review status: criteria provided, single submitter. Criteria: UK Practice Guidelines For Variant Classification V4 01 2020. Collection method: clinical testing. Allele origin: germline. Inheritance: Autosomal recessive inheritance. Affected: yes. Observed: 1 variant allele.
Comment: ACMG Criteria: PVS1

NM_031293.3(PMFBP1):c.2882del (p.Gly961fs)

Gene: PMFBP1 (polyamine modulated factor 1 binding protein 1; minus strand). Cytogenetic location: 16q22.2.
Variant type: Deletion.
Coding change: c.2882del on transcript NM_031293.3 (MANE Select); coding-DNA position 2882, one base deleted (G; older notation c.2882delG).
Protein change: p.Gly961fs; shifts the reading frame from glycine 961.
Molecular consequence: frameshift variant.
Genome position (GRCh38, 1-based): chr16:72,119,976, C deleted on the plus strand (G on the coding strand, the reverse complement: PMFBP1 is on the minus strand); the first of 2 consecutive C bases (chr16:72,119,976-72,119,977); deleting either gives the same sequence. VCF-style (leftmost placement, unchanged base first): chr16-72119975-GC-G. GRCh37 (hg19) VCF-style: chr16-72153874-GC-G.
Other names: c.2507del, p.Gly836fs (NM_001160213.2); short protein forms G836fs, G961fs.
Identifiers: ClinVar variation 5038221 (VCV005038221.1).